The following is an entry in ClinVar:

ClinVar aggregate classification (germline): Uncertain significance. Review status: criteria provided, multiple submitters, no conflicts (2 of 4 stars). 2 submissions from 2 submitters: Uncertain significance (2). Last evaluated 2024-01-24.

Conditions:
Tuberous sclerosis 2 (TSC2). Identifiers: Orphanet 805, MedGen C1860707, MONDO:0013199, OMIM 613254.
Hereditary cancer-predisposing syndrome. Also called: Hereditary neoplastic syndrome; Tumor predisposition; Neoplastic Syndromes, Hereditary; Hereditary Cancer Syndrome. Identifiers: Orphanet 140162, MedGen C0027672, MeSH D009386, MONDO:0015356.

gnomAD v4.1: 1 of 1,613,704 alleles (0.000062%); highest among the groups gnomAD compares: Non-Finnish European, 0.000085%; no homozygotes.

Submissions (2):

Labcorp Genetics (formerly Invitae), Labcorp
Classification: Uncertain significance for Tuberous sclerosis 2. Last evaluated: 2024-01-24. Review status: criteria provided, single submitter. Criteria: Invitae Variant Classification Sherloc (09022015). Collection method: clinical testing. Allele origin: germline.
Comment: This sequence change replaces threonine, which is neutral and polar, with isoleucine, which is neutral and non-polar, at codon 70 of the TSC2 protein (p.Thr70Ile). This variant is not present in population databases (gnomAD no frequency). This variant has not been reported in the literature in individuals affected with TSC2-related conditions. ClinVar contains an entry for this variant (Variation ID: 2455202). Advanced modeling of protein sequence and biophysical properties (such as structural, functional, and spatial information, amino acid conservation, physicochemical variation, residue mobility, and thermodynamic stability) performed at Invitae indicates that this missense variant is not expected to disrupt TSC2 protein function with a negative predictive value of 95%. In summary, the available evidence is currently insufficient to determine the role of this variant in disease. Therefore, it has been classified as a Variant of Uncertain Significance.

Ambry Genetics
Classification: Uncertain significance for Hereditary cancer-predisposing syndrome. Last evaluated: 2023-01-10. Review status: criteria provided, single submitter. Criteria: Ambry Variant Classification Scheme 2023. Collection method: clinical testing. Allele origin: germline.
Comment: The p.T70I variant (also known as c.209C>T), located in coding exon 2 of the TSC2 gene, results from a C to T substitution at nucleotide position 209. The threonine at codon 70 is replaced by isoleucine, an amino acid with similar properties. This amino acid position is well conserved in available vertebrate species. In addition, the in silico prediction for this alteration is inconclusive. Since supporting evidence is limited at this time, the clinical significance of this alteration remains unclear.

NM_000548.5(TSC2):c.209C>T (p.Thr70Ile)

Gene: TSC2 (TSC complex subunit 2; plus strand). Cytogenetic location: 16p13.3.
Variant type: single nucleotide variant.
Coding change: c.209C>T on transcript NM_000548.5 (MANE Select); coding-DNA position 209, C replaced by T.
Protein change: p.Thr70Ile; replaces threonine 70 with isoleucine.
Molecular consequence: missense variant. On other transcripts: 5 prime UTR variant (20), non-coding transcript variant (5).
Genome position (GRCh38, 1-based): chr16:2,050,470, C>T. VCF-style: chr16-2050470-C-T. GRCh37 (hg19) VCF-style: chr16-2100471-C-T.
Other names: c.62C>T, p.Thr21Ile (NM_001406677.1, NM_001406679.1, NM_001318829.2 and 2 more transcripts); c.209C>T, p.Thr70Ile (NM_001406678.1, NM_001077183.3, NM_001114382.3 and 13 more transcripts); c.-608C>T (NM_001406680.1, NM_001406683.1, NM_001406687.1); c.-237C>T (NM_001406681.1); c.-18C>T (NM_001406682.1, NM_001406684.1, NM_001406685.1 and 3 more transcripts); c.-1223C>T (NM_001406689.1, NM_001406690.1, NM_001406691.1 and 2 more transcripts); c.242C>T, p.Thr81Ile (NM_001318832.2); c.-1529C>T (NM_001406693.1); and 3 more; short protein forms T70I, T81I, T21I.
Identifiers: ClinVar variation 2455202 (VCV002455202.5), dbSNP rs1013995962, ClinGen allele CA394303561.